The following is an entry in ClinVar:

ClinVar aggregate classification (germline): Pathogenic (1 of 4 stars; one submission).

Conditions:
Sialuria. Also called: Sialic Acid Storage Disease; SIALURIA, FRENCH TYPE. Identifiers: Orphanet 3166, MedGen C0342853, MONDO:0010028, OMIM 269921.
GNE myopathy (NM). Also called: IBM 2; Inclusion body myopathy autosomal recessive; Inclusion body myopathy quadriceps sparing; INCLUSION BODY MYOPATHY, HEREDITARY, AUTOSOMAL RECESSIVE; NONAKA DISTAL MYOPATHY; INCLUSION BODY MYOPATHY 2, AUTOSOMAL RECESSIVE. Identifiers: Orphanet 602, MedGen C1853926, MONDO:0011603, OMIM 605820.

Submission:

Labcorp Genetics (formerly Invitae), Labcorp
Classification: Pathogenic for Sialuria; GNE myopathy. Last evaluated: 2022-10-10. Review status: criteria provided, single submitter. Criteria: Invitae Variant Classification Sherloc (09022015). Collection method: clinical testing. Allele origin: germline.
Comment: This variant is a gross deletion of the genomic region encompassing exon(s) 1 of the GNE gene, which includes the initiator codon. This deletion extends beyond the assayed region for this gene and therefore may encompass additional genes. It is expected to result in an absent or disrupted protein product. Loss-of-function variants in GNE are known to be pathogenic (PMID: 24027297). A similar copy number variant has been observed in individual(s) with autosomal recessive GNE-related conditions (PMID: 33031330). For these reasons, this variant has been classified as Pathogenic.

Literature cited by the submitters: PubMed 24027297; PubMed 33031330.

NC_000009.12:g.(?_36276884)_(36277052_?)del

Gene: GNE (glucosamine (UDP-N-acetyl)-2-epimerase/N-acetylmannosamine kinase; minus strand). Cytogenetic location: 9p13.3.
Variant type: Deletion.
Identifiers: ClinVar variation 832598 (VCV000832598.5).